The following is an entry in ClinVar:

ClinVar aggregate classification (germline): Uncertain significance. Review status: criteria provided, multiple submitters, no conflicts (2 of 4 stars). 2 submissions from 2 submitters: Uncertain significance (2). Last evaluated 2024-09-09.

Conditions:
Coffin-Siris syndrome 6. Identifiers: MedGen C4540499, MONDO:0033492, OMIM 617808.
Inborn genetic diseases. Identifiers: MedGen C0950123, MeSH D030342.

Allele frequency attached by ClinVar (database versions not stated): ExAC 0.00001; gnomAD exomes 0.00001.
gnomAD v4.1: 3 of 1,614,182 alleles (0.00019%); highest among the groups gnomAD compares: Admixed American, 0.0033%; no homozygotes.

Submissions (2):

Laboratorio de Genetica e Diagnostico Molecular, Hospital Israelita Albert Einstein
Classification: Uncertain significance for Coffin-Siris syndrome 6. Last evaluated: 2024-09-09. Review status: criteria provided, single submitter. Criteria: ACMG Guidelines, 2015. Collection method: clinical testing. Allele origin: germline. Affected: yes.
Comment: ACMG classification criteria: PM2 supporting, PP2 supporting, BP4 supporting

Ambry Genetics
Classification: Uncertain significance for Inborn genetic diseases. Last evaluated: 2023-02-15. Review status: criteria provided, single submitter. Criteria: Ambry Variant Classification Scheme 2023. Collection method: clinical testing. Allele origin: germline.

NM_152641.4(ARID2):c.4238A>G (p.Glu1413Gly)

Gene: ARID2 (AT-rich interaction domain 2; plus strand). Cytogenetic location: 12q12.
Variant type: single nucleotide variant.
Coding change: c.4238A>G on transcript NM_152641.4 (MANE Select); coding-DNA position 4238, A replaced by G.
Protein change: p.Glu1413Gly; replaces glutamic acid 1413 with glycine.
Molecular consequence: missense variant.
Genome position (GRCh38, 1-based): chr12:45,852,361, A>G. VCF-style: chr12-45852361-A-G. GRCh37 (hg19) VCF-style: chr12-46246144-A-G.
Other names: c.4238A>G, p.Glu1413Gly (NM_001347839.2); short protein forms E1413G.
Identifiers: ClinVar variation 2484244 (VCV002484244.3), dbSNP rs761736425, ClinGen allele CA6526612.